The following is an entry in ClinVar:

NM_015330.6(SPECC1L):c.539C>G (p.Ala180Gly)

Genes: SPECC1L (sperm antigen with calponin homology and coiled-coil domains 1 like; plus strand), SPECC1L-ADORA2A (SPECC1L-ADORA2A readthrough (NMD candidate); plus strand). Cytogenetic location: 22q11.23.
Variant type: single nucleotide variant.
Coding change: c.539C>G on transcript NM_015330.6 (MANE Select); coding-DNA position 539, C replaced by G.
Protein change: p.Ala180Gly; replaces alanine 180 with glycine.
Molecular consequence: missense variant. On other transcripts: non-coding transcript variant (1).
Genome position (GRCh38, 1-based): chr22:24,321,519, C>G. VCF-style: chr22-24321519-C-G. GRCh37 (hg19) VCF-style: chr22-24717487-C-G.
Other names: c.539C>G, p.Ala180Gly (NM_001145468.4, NM_001254732.3); c.539C>G (NM_015330.2); short protein forms A180G.
Identifiers: ClinVar variation 1679678 (VCV001679678.2), dbSNP rs529314817, ClinGen allele CA10151978.

ClinVar aggregate classification (germline): Uncertain significance. Review status: criteria provided, multiple submitters, no conflicts (2 of 4 stars). 2 submissions from 2 submitters: Uncertain significance (2). Last evaluated 2024-01-22.

Conditions:
Teebi hypertelorism syndrome 1. Identifiers: Orphanet 1519, MedGen CN306405, MONDO:0800025, OMIM 145420.
Inborn genetic diseases. Identifiers: MedGen C0950123, MeSH D030342.

Allele frequency attached by ClinVar (database versions not stated): ExAC 0.00001; gnomAD exomes below 0.00001; 1000 Genomes Project 30x 0.00031; TOPMed 0.00001; 1000 Genomes Project 0.00020; gnomAD 0.00001.
gnomAD v4.1: 3 of 1,614,234 alleles (0.00019%); highest among the groups gnomAD compares: African/African-American, 0.0027%; no homozygotes.

Submissions (2):

Ambry Genetics
Classification: Uncertain significance for Inborn genetic diseases. Last evaluated: 2024-01-22. Review status: criteria provided, single submitter. Criteria: Ambry Variant Classification Scheme 2023. Collection method: clinical testing. Allele origin: germline.

New York Genome Center
Classification: Uncertain significance for Teebi hypertelorism syndrome 1. Last evaluated: 2021-05-14. Review status: criteria provided, single submitter. Criteria: NYGC Assertion Criteria 2020. Collection method: clinical testing. Allele origin: germline. Observed: 1 heterozygote. Study: CSER-NYCKidSeq.
Comment: The c.539C>G (p.Ala180Gly) variant identified in the SPECC1L gene substitutes a well conserved Alanine for Glycine at amino acid 180/1118 (exon5/17). This variant is found with low frequency in gnomAD(v3.1.1) (3 heterozygotes, 0 homozygotes; allele frequency: 1.97e-5) suggesting it is not a common benignvariant in the populations represented in that database. In silico algorithms do not agree on the effect of this variant, as it is predicted both Damaging (SIFT; score:0.028) and Benign (REVEL; score:0.202) to the function of the canonical transcript. This variant is absent from ClinVar and to our current knowledge has not beenreported in affected individuals in the literature. The p.Ala180 residue is within one of the coiled-coil domains of SPECC1L (UniProtKB:Q69YQ0). Given the lack of compelling evidence for its pathogenicity, the c.539C>G (p.Ala180Gly) variant identified in the SPECC1L gene is reported as a Variant ofUncertain Significance.